The following is an entry in ClinVar:

NM_000135.4(FANCA):c.2894C>G (p.Pro965Arg)

Gene: FANCA (FA complementation group A; minus strand). Cytogenetic location: 16q24.3.
Variant type: single nucleotide variant.
Coding change: c.2894C>G on transcript NM_000135.4 (MANE Select); coding-DNA position 2894, C replaced by G.
Protein change: p.Pro965Arg; replaces proline 965 with arginine.
Molecular consequence: missense variant.
Genome position (GRCh38, 1-based): chr16:89,758,664, G>C on the plus strand (C>G on the coding strand, the complement: FANCA is on the minus strand). VCF-style: chr16-89758664-G-C. GRCh37 (hg19) VCF-style: chr16-89825072-G-C.
Other names: c.2894C>G, p.Pro965Arg (NM_001286167.3); short protein forms P965R.
Identifiers: ClinVar variation 3848090 (VCV003848090.1).

ClinVar aggregate classification (germline): Uncertain significance (1 of 4 stars; one submission).

Conditions:
Inborn genetic diseases. Identifiers: MedGen C0950123, MeSH D030342.

Submission:

Ambry Genetics
Classification: Uncertain significance for Inborn genetic diseases. Last evaluated: 2025-01-06. Review status: criteria provided, single submitter. Criteria: Ambry Variant Classification Scheme 2023. Collection method: clinical testing. Allele origin: germline.
Comment: The p.P965R variant (also known as c.2894C>G), located in coding exon 30 of the FANCA gene, results from a C to G substitution at nucleotide position 2894. The proline at codon 965 is replaced by arginine, an amino acid with dissimilar properties. This amino acid position is conserved. In addition, the in silico prediction for this alteration is inconclusive. Based on the available evidence, the clinical significance of this variant remains unclear.